The following is an entry in ClinVar:

NM_030973.4(MED25):c.2031G>A (p.Ala677=)

Gene: MED25 (mediator complex subunit 25; plus strand). Cytogenetic location: 19q13.33.
Variant type: single nucleotide variant.
Coding change: c.2031G>A on transcript NM_030973.4 (MANE Select); coding-DNA position 2031, G replaced by A.
Protein change: p.Ala677=; no amino-acid change (alanine 677 retained).
Molecular consequence: synonymous variant.
Genome position (GRCh38, 1-based): chr19:49,836,291, G>A. VCF-style: chr19-49836291-G-A. GRCh37 (hg19) VCF-style: chr19-50339548-G-A.
Other names: p.A677A:GCG>GCA; c.2031G>A, p.Ala677= (NM_001378355.1).
Identifiers: ClinVar variation 138200 (VCV000138200.26), dbSNP rs57854058, ClinGen allele CA292041.
Genomic context (GRCh38, chr19:49,836,291, plus strand): 5'-GACTGGGGTGCCCCCACCCCAGGCCTCCCTCCACCACCTCCAGCCACCAGGGGCTCCTGC[G>A]CTGCTGCCTCCGCCGCACCAGGGCCTGGGGCAGCCCCAGTTGGGGCCCCCACTCCTGCAT-3'
Protein context (NP_112235.2, residues 667-687): LHHLQPPGAP[Ala677=]LLPPPHQGLG

ClinVar aggregate classification (germline): Benign. Review status: criteria provided, multiple submitters, no conflicts (2 of 4 stars). 5 submissions from 5 submitters: Benign (5). Last evaluated 2026-02-01.

Conditions:
Charcot-Marie-Tooth disease type 2. Also called: Charcot-Marie-Tooth type 2. Identifiers: Orphanet 64746, MedGen C0270914, MONDO:0018993.
Congenital cataract-microcephaly-nevus flammeus simplex-severe intellectual disability syndrome. Also called: Basel-Vanagaite-Smirin-Yosef syndrome. Identifiers: Orphanet 464738, MedGen C4225323, MONDO:0014643, OMIM 616449.
Charcot-Marie-Tooth disease. Also called: Charcot-Marie-Tooth Neuropathy; Charcot-Marie-Tooth Hereditary Neuropathy. Identifiers: Orphanet 166, MedGen C0007959, MONDO:0015626.

Allele frequency attached by ClinVar (database versions not stated): gnomAD exomes 0.00817 and 0.00910; gnomAD 0.01408 and 0.01517; 1000 Genomes Project 30x 0.01031; ESP Exome Variant Server 0.01369; ExAC 0.00957; 1000 Genomes Project 0.00998; TOPMed 0.01556.
gnomAD v4.1: 15,584 of 1,611,934 alleles (0.97%); highest among the groups gnomAD compares: African/African-American, 2.9%; 117 homozygotes.

Submissions (5):

Labcorp Genetics (formerly Invitae), Labcorp
Classification: Benign for Charcot-Marie-Tooth disease type 2. Last evaluated: 2026-02-01. Review status: criteria provided, single submitter. Criteria: Invitae Variant Classification Sherloc (09022015). Collection method: clinical testing. Allele origin: germline.

ARUP Laboratories, Molecular Genetics and Genomics, ARUP Laboratories
Classification: Benign for Congenital cataract-microcephaly-nevus flammeus simplex-severe intellectual disability syndrome. Last evaluated: 2024-12-11. Review status: criteria provided, single submitter. Criteria: ARUP Molecular Germline Variant Investigation Process 2024. Collection method: clinical testing. Allele origin: germline.

GeneDx
Classification: Benign. Last evaluated: 2014-01-20. Review status: criteria provided, single submitter. Criteria: GeneDx Variant Classification (06012015). Collection method: clinical testing. Allele origin: germline. Affected: yes.
Comment: This variant is considered likely benign or benign based on one or more of the following criteria: it is a conservative change, it occurs at a poorly conserved position in the protein, it is predicted to be benign by multiple in silico algorithms, and/or has population frequency not consistent with disease.

Breakthrough Genomics
Classification: Benign. Review status: criteria provided, single submitter. Criteria: ACMG Guidelines, 2015. Collection method: not provided. Allele origin: germline. Inheritance: Autosomal recessive inheritance. Affected: yes.

Molecular Genetics Laboratory, London Health Sciences Centre
Classification: Benign for Charcot-Marie-Tooth disease. Review status: criteria provided, single submitter. Criteria: ACMG Guidelines, 2015. Collection method: clinical testing. Allele origin: germline. Affected: yes.